The following is an entry in ClinVar:

NM_001370466.1(NOD2):c.2831G>C (p.Gly944Ala)

Gene: NOD2 (nucleotide binding oligomerization domain containing 2; plus strand). Cytogenetic location: 16q12.1.
Variant type: single nucleotide variant.
Coding change: c.2831G>C on transcript NM_001370466.1 (MANE Select); coding-DNA position 2831, G replaced by C.
Protein change: p.Gly944Ala; replaces glycine 944 with alanine.
Molecular consequence: missense variant. On other transcripts: non-coding transcript variant (1).
Genome position (GRCh38, 1-based): chr16:50,725,518, G>C. VCF-style: chr16-50725518-G-C. GRCh37 (hg19) VCF-style: chr16-50759429-G-C.
Other names: c.2831G>C, p.Gly944Ala (NM_001293557.2); c.2912G>C, p.Gly971Ala (NM_022162.3); short protein forms G971A, G944A.
Identifiers: ClinVar variation 2948146 (VCV002948146.3), dbSNP rs1187029221, ClinGen allele CA395876372.

ClinVar aggregate classification (germline): Uncertain significance (1 of 4 stars; one submission).

Conditions:
Regional enteritis. Also called: Enteritis, Granulomatous. Identifiers: MedGen C0678202, MeSH D003424.
Blau syndrome (BLAUS). Also called: ARTHROCUTANEOUVEAL GRANULOMATOSIS; GRANULOMATOSIS, FAMILIAL JUVENILE SYSTEMIC; GRANULOMATOSIS, FAMILIAL, BLAU TYPE; GRANULOMATOUS INFLAMMATORY ARTHRITIS, DERMATITIS, AND UVEITIS, FAMILIAL; JABS SYNDROME. Identifiers: Orphanet 90340, MedGen C5201146, MONDO:0008523, OMIM 186580.

Submission:

Labcorp Genetics (formerly Invitae), Labcorp
Classification: Uncertain significance for Regional enteritis; Blau syndrome. Last evaluated: 2023-06-13. Review status: criteria provided, single submitter. Criteria: Invitae Variant Classification Sherloc (09022015). Collection method: clinical testing. Allele origin: germline.
Comment: In summary, the available evidence is currently insufficient to determine the role of this variant in disease. Therefore, it has been classified as a Variant of Uncertain Significance. Advanced modeling of protein sequence and biophysical properties (such as structural, functional, and spatial information, amino acid conservation, physicochemical variation, residue mobility, and thermodynamic stability) performed at Invitae indicates that this missense variant is not expected to disrupt NOD2 protein function. This variant has not been reported in the literature in individuals affected with NOD2-related conditions. This variant is not present in population databases (gnomAD no frequency). This sequence change replaces glycine, which is neutral and non-polar, with alanine, which is neutral and non-polar, at codon 971 of the NOD2 protein (p.Gly971Ala).